The following is an entry in ClinVar:

ClinVar aggregate classification (germline): Uncertain significance (1 of 4 stars; one submission).

Conditions:
Early-infantile DEE. Also called: Early infantile epileptic encephalopathy with suppression bursts; Early infantile epileptic encephalopathy; Ohtahara syndrome. Identifiers: Orphanet 1934, MedGen C0393706, MONDO:0800491.

Allele frequency attached by ClinVar (database versions not stated): gnomAD 0.00002; TOPMed 0.00004.

Submission:

Labcorp Genetics (formerly Invitae), Labcorp
Classification: Uncertain significance for Early-infantile DEE. Last evaluated: 2026-01-26. Review status: criteria provided, single submitter. Criteria: Invitae Variant Classification Sherloc (09022015). Collection method: clinical testing. Allele origin: germline.
Comment: This sequence change replaces methionine, which is neutral and non-polar, with isoleucine, which is neutral and non-polar, at codon 1895 of the SPTAN1 protein (p.Met1895Ile). The frequency data for this variant in the population databases is considered unreliable, as metrics indicate poor data quality at this position in the gnomAD database. This variant has not been reported in the literature in individuals affected with SPTAN1-related conditions. ClinVar contains an entry for this variant (Variation ID: 572541). Invitae Evidence Modeling of protein sequence and biophysical properties (such as structural, functional, and spatial information, amino acid conservation, physicochemical variation, residue mobility, and thermodynamic stability) has been performed for this missense variant. However, the output from this modeling did not meet the statistical confidence thresholds required to predict the impact of this variant on SPTAN1 protein function. In summary, the available evidence is currently insufficient to determine the role of this variant in disease. Therefore, it has been classified as a Variant of Uncertain Significance.

NM_001130438.3(SPTAN1):c.5685G>A (p.Met1895Ile)

Gene: SPTAN1 (spectrin alpha, non-erythrocytic 1; plus strand). Cytogenetic location: 9q34.11.
Variant type: single nucleotide variant.
Coding change: c.5685G>A on transcript NM_001130438.3 (MANE Select); coding-DNA position 5685, G replaced by A.
Protein change: p.Met1895Ile; replaces methionine 1895 with isoleucine.
Molecular consequence: missense variant.
Genome position (GRCh38, 1-based): chr9:128,618,955, G>A. VCF-style: chr9-128618955-G-A. GRCh37 (hg19) VCF-style: chr9-131381234-G-A.
Other names: c.5610G>A, p.Met1870Ile (NM_001195532.2); c.5685G>A, p.Met1895Ile (NM_001363759.2); c.5625G>A, p.Met1875Ile (NM_001363765.2); c.5670G>A, p.Met1890Ile (NM_003127.4); short protein forms M1895I, M1870I, M1875I, M1890I.
Identifiers: ClinVar variation 572541 (VCV000572541.9), dbSNP rs973076703, ClinGen allele CA200402166.
Genomic context (GRCh38, chr9:128,618,955, plus strand): 5'-GGAATATCAGCAGTTTGTAGCCAATGTGGAAGAGGAAGAAGCCTGGATCAATGAGAAAAT[G>A]ACCCTGGTGGCCAGCGAAGATTATGGCGACACTCTTGCCGCCATCCAGGTGAGACAGAAA-3'
Protein context (NP_001123910.1, residues 1885-1905): EEEEAWINEK[Met1895Ile]TLVASEDYGD